The following is an entry in ClinVar:

ClinVar aggregate classification (germline): Uncertain significance (1 of 4 stars; one submission).

Allele frequency attached by ClinVar (database versions not stated): gnomAD exomes below 0.00001; gnomAD 0.00001.
gnomAD v4.1: 2 of 1,614,120 alleles (0.00012%); highest among the groups gnomAD compares: African/African-American, 0.0027%; no homozygotes.

Submission:

Labcorp Genetics (formerly Invitae), Labcorp
Classification: Uncertain significance. Last evaluated: 2022-08-16. Review status: criteria provided, single submitter. Criteria: Invitae Variant Classification Sherloc (09022015). Collection method: clinical testing. Allele origin: germline.
Comment: In summary, the available evidence is currently insufficient to determine the role of this variant in disease. Therefore, it has been classified as a Variant of Uncertain Significance. Algorithms developed to predict the effect of missense changes on protein structure and function (SIFT, PolyPhen-2, Align-GVGD) all suggest that this variant is likely to be tolerated. ClinVar contains an entry for this variant (Variation ID: 1475111). This variant has not been reported in the literature in individuals affected with CLP1-related conditions. This variant is present in population databases (no rsID available, gnomAD 0.01%). This sequence change replaces serine, which is neutral and polar, with isoleucine, which is neutral and non-polar, at codon 391 of the CLP1 protein (p.Ser391Ile).

NM_006831.3(CLP1):c.1172G>T (p.Ser391Ile)

Gene: CLP1 (cleavage factor polyribonucleotide kinase subunit 1; plus strand). Cytogenetic location: 11q12.1.
Variant type: single nucleotide variant.
Coding change: c.1172G>T on transcript NM_006831.3 (MANE Select); coding-DNA position 1172, G replaced by T.
Protein change: p.Ser391Ile; replaces serine 391 with isoleucine.
Molecular consequence: missense variant.
Genome position (GRCh38, 1-based): chr11:57,661,330, G>T. VCF-style: chr11-57661330-G-T. GRCh37 (hg19) VCF-style: chr11-57428802-G-T.
Other names: c.980G>T, p.Ser327Ile (NM_001142597.2); short protein forms S391I, S327I.
Identifiers: ClinVar variation 1475111 (VCV001475111.8), dbSNP rs1448528063, ClinGen allele CA380700609.